The following is an entry in ClinVar:

NM_003458.4(BSN):c.920dup (p.Gln308fs)

Gene: BSN (bassoon presynaptic cytomatrix protein; plus strand). Cytogenetic location: 3p21.31.
Variant type: Duplication.
Coding change: c.920dup on transcript NM_003458.4 (MANE Select); coding-DNA position 920, one base duplicated (C; older notation c.920dupC).
Protein change: p.Gln308fs; shifts the reading frame from glutamine 308.
Molecular consequence: frameshift variant.
Genome position (GRCh38, 1-based): chr3:49,642,554, C duplicated; the last of 5 consecutive C bases (chr3:49,642,550-49,642,554); duplicating any one gives the same sequence. VCF-style (leftmost placement, unchanged base first): chr3-49642549-G-GC. GRCh37 (hg19) VCF-style: chr3-49679982-G-GC.
Other names: short protein forms Q308fs.
Identifiers: ClinVar variation 4686926 (VCV004686926.1).

ClinVar aggregate classification (germline): Uncertain significance (1 of 4 stars; one submission).

Submission:

GeneDx
Classification: Uncertain significance. Last evaluated: 2025-07-24. Review status: criteria provided, single submitter. Criteria: GeneDx Variant Classification Process June 2021. Collection method: clinical testing. Allele origin: germline. Affected: yes.
Comment: Frameshift variant predicted to result in protein truncation or nonsense mediated decay in a gene or region of a gene for which loss of function is not a well-established mechanism of disease; Not observed at significant frequency in large population cohorts (gnomAD); Has not been previously published as pathogenic or benign to our knowledge